The following is an entry in ClinVar:

NM_000238.4(KCNH2):c.3171T>G (p.Ser1057Arg)

Gene: KCNH2 (potassium voltage-gated channel subfamily H member 2; minus strand). Cytogenetic location: 7q36.1.
Variant type: single nucleotide variant.
Coding change: c.3171T>G on transcript NM_000238.4 (MANE Select); coding-DNA position 3171, T replaced by G.
Protein change: p.Ser1057Arg; replaces serine 1057 with arginine.
Molecular consequence: missense variant.
Genome position (GRCh38, 1-based): chr7:150,947,036, A>C on the plus strand (T>G on the coding strand, the complement: KCNH2 is on the minus strand). VCF-style: chr7-150947036-A-C. GRCh37 (hg19) VCF-style: chr7-150644124-A-C.
Other names: c.2151T>G, p.Ser717Arg (NM_172057.3); short protein forms S717R, S1057R.
Identifiers: ClinVar variation 1422002 (VCV001422002.8), dbSNP rs1363636593, ClinGen allele CA369852361.

ClinVar aggregate classification (germline): Uncertain significance (1 of 4 stars; one submission).

Conditions:
Long QT syndrome (LQTS). Identifiers: MedGen C0023976, MeSH D008133, MONDO:0002442. Disease mechanism: loss of function. Inheritance: Various modes of inheritance.

Allele frequency attached by ClinVar (database versions not stated): gnomAD 0.00001.
gnomAD v4.1: 2 of 1,591,820 alleles (0.00013%); highest among the groups gnomAD compares: Non-Finnish European, 0.00017%; no homozygotes.

Submission:

Labcorp Genetics (formerly Invitae), Labcorp
Classification: Uncertain significance for Long QT syndrome. Last evaluated: 2022-07-05. Review status: criteria provided, single submitter. Criteria: Invitae Variant Classification Sherloc (09022015). Collection method: clinical testing. Allele origin: germline.
Comment: This sequence change replaces serine, which is neutral and polar, with arginine, which is basic and polar, at codon 1057 of the KCNH2 protein (p.Ser1057Arg). This variant is not present in population databases (gnomAD no frequency). This variant has not been reported in the literature in individuals affected with KCNH2-related conditions. ClinVar contains an entry for this variant (Variation ID: 1422002). Algorithms developed to predict the effect of missense changes on protein structure and function are either unavailable or do not agree on the potential impact of this missense change (SIFT: "Deleterious"; PolyPhen-2: "Possibly Damaging"; Align-GVGD: "Class C0"). In summary, the available evidence is currently insufficient to determine the role of this variant in disease. Therefore, it has been classified as a Variant of Uncertain Significance.